The following is an entry in ClinVar:

ClinVar aggregate classification (germline): Uncertain significance (1 of 4 stars; one submission).

Submission:

Labcorp Genetics (formerly Invitae), Labcorp
Classification: Uncertain significance. Last evaluated: 2021-08-03. Review status: criteria provided, single submitter. Criteria: Invitae Variant Classification Sherloc (09022015). Collection method: clinical testing. Allele origin: germline.
Comment: In summary, the available evidence is currently insufficient to determine the role of this variant in disease. Therefore, it has been classified as a Variant of Uncertain Significance. Nucleotide substitutions within the consensus splice site are a relatively common cause of aberrant splicing (PMID: 17576681, 9536098). Algorithms developed to predict the effect of sequence changes on RNA splicing suggest that this variant may create or strengthen a splice site. This variant has not been reported in the literature in individuals affected with FH-related conditions. This variant is not present in population databases (ExAC no frequency). This sequence change falls in intron 6 of the FH gene. It does not directly change the encoded amino acid sequence of the FH protein. It affects a nucleotide within the consensus splice site of the intron.

Literature cited by the submitters: PubMed 17576681; PubMed 9536098.

NM_000143.4(FH):c.905-3_905-2insATTTTTCTTTTCTTTTTTTTTTTTTTTTTTTTTTTTTNNNNNNNNNNTGACCTCATGATCCACCCGCCTCGGCCTCCCAAAGTGCTGGGATTACAGGCGTGAGCCACCGCGCCCGGCC

Gene: FH (fumarate hydratase; minus strand). Cytogenetic location: 1q43.
Variant type: Microsatellite.
Coding change: c.905-3_905-2insATTTTTCTTTTCTTTTTTTTTTTTTTTTTTTTTTTTTNNNNNNNNNNTGACCTCATGATCCACCCGCCTCGGCCTCCCAAAGTGCTGGGATTACAGGCGTGAGCCACCGCGCCCGGCC on transcript NM_000143.4 (MANE Select); 3 bases into the intron before coding-DNA position 905 through the canonical splice acceptor site of the intron before coding-DNA position 905, ATTTTTCTTTTCTTTTTTTTTTTTTTTTTTTTTTTTTNNNNNNNNNNTGACCTCATGATCCACCCGCCTCGGCCTCCCAAAGTGCTGGGATTACAGGCGTGAGCCACCGCGCCCGGCC inserted.
Molecular consequence: intron variant.
Genome position: GRCh38: chr1:241,504,248-241,504,262. GRCh37 (hg19): chr1:241,667,548-241,667,562.
Identifiers: ClinVar variation 1440604 (VCV001440604.7).